The following is an entry in ClinVar:

ClinVar aggregate classification (germline): Uncertain significance (1 of 4 stars; one submission).

Conditions:
NONO-related disorder. Also called: NONO-related condition.

Submission:

PreventionGenetics, part of Exact Sciences
Classification: Uncertain significance for NONO-related condition. Last evaluated: 2025-07-09. Review status: criteria provided, single submitter. Criteria: ACMG Guidelines, 2015. Collection method: clinical testing. Allele origin: germline.
Comment: The NONO c.1343G>A variant is predicted to result in the amino acid substitution p.Gly448Asp. To our knowledge, this variant has not been reported in the literature or in a large population database (gnomAD), indicating this variant is rare. At this time, the clinical significance of this variant is uncertain due to the absence of conclusive functional and genetic evidence.

NM_007363.5(NONO):c.1343G>A (p.Gly448Asp)

Gene: NONO (non-POU domain containing octamer binding; plus strand). Cytogenetic location: Xq13.1.
Variant type: single nucleotide variant.
Coding change: c.1343G>A on transcript NM_007363.5 (MANE Select); coding-DNA position 1343, G replaced by A.
Protein change: p.Gly448Asp; replaces glycine 448 with aspartic acid.
Molecular consequence: missense variant.
Genome position (GRCh38, 1-based): chrX:71,300,003, G>A. VCF-style: chrX-71300003-G-A. GRCh37 (hg19) VCF-style: chrX-70519853-G-A.
Other names: c.1343G>A, p.Gly448Asp (NM_001145408.2, NM_001145409.2); c.1076G>A, p.Gly359Asp (NM_001145410.2); short protein forms G359D, G448D.
Identifiers: ClinVar variation 5002112 (VCV005002112.1).
Genomic context (GRCh38, chrX:71,300,003, plus strand): 5'-CCCCACCAACAACTGAACGCTTTGGTCAGGCTGCTACAATGGAAGGAATTGGGGCAATTG[G>A]TGGAACTCCTCCTGCATTCAACCGTGCAGCTCCTGGAGCTGAATTTGCCCCAAACAAACG-3'
Protein context (NP_031389.3, residues 438-458): AATMEGIGAI[Gly448Asp]GTPPAFNRAA